The following is an entry in ClinVar:

ClinVar aggregate classification (germline): Likely benign (1 of 4 stars; one submission).

Allele frequency attached by ClinVar (database versions not stated): ESP Exome Variant Server 0.00023; ExAC 0.00035; gnomAD 0.00036.
gnomAD v4.1: 490 of 1,613,860 alleles (0.03%); highest among the groups gnomAD compares: Non-Finnish European, 0.027%; no homozygotes.

Submission:

CeGaT Center for Human Genetics Tuebingen
Classification: Likely benign. Last evaluated: 2023-02-01. Review status: criteria provided, single submitter. Criteria: CeGaT Center For Human Genetics Tuebingen Variant Classification Criteria Version 2. Collection method: clinical testing. Allele origin: germline. Affected: yes. Observed: 1 variant allele.
Comment: HSF2BP: BP4, BP7

NM_007031.2(HSF2BP):c.261C>T (p.Thr87=)

Gene: HSF2BP (heat shock transcription factor 2 binding protein; minus strand). Cytogenetic location: 21q22.3.
Variant type: single nucleotide variant.
Coding change: c.261C>T on transcript NM_007031.2 (MANE Select); coding-DNA position 261, C replaced by T.
Protein change: p.Thr87=; no amino-acid change (threonine 87 retained).
Molecular consequence: synonymous variant.
Genome position (GRCh38, 1-based): chr21:43,644,319, G>A on the plus strand (C>T on the coding strand, the complement: HSF2BP is on the minus strand). VCF-style: chr21-43644319-G-A. GRCh37 (hg19) VCF-style: chr21-45064200-G-A.
Identifiers: ClinVar variation 2498899 (VCV002498899.28), dbSNP rs200583466, ClinGen allele CA10047497.